The following is an entry in ClinVar:

NC_000016.9:g.(70305876_70310388)_(70311058_70316522)del

Gene: AARS1 (alanyl-tRNA synthetase 1; minus strand). Cytogenetic location: 16q22.1.
Variant type: Deletion.
Identifiers: ClinVar variation 3896060 (VCV003896060.1).

ClinVar aggregate classification (germline): Pathogenic (1 of 4 stars; one submission).

Conditions:
Developmental and epileptic encephalopathy, 29 (DEE29). Also called: Epileptic encephalopathy, early infantile, 29. Identifiers: Orphanet 442835, MedGen C4225361, MONDO:0014593, OMIM 616339.

Submission:

Women's Health and Genetics/Laboratory Corporation of America, LabCorp
Classification: Pathogenic for Developmental and epileptic encephalopathy, 29. Last evaluated: 2025-03-20. Review status: criteria provided, single submitter. Criteria: LabCorp Variant Classification Summary - May 2015. Collection method: clinical testing. Allele origin: germline.
Comment: Variant summary: The variant involves the deletion of exons 3-4 in the AARS1 gene. A presumed nomenclature of c.(144+1_145-1)_(479+1_480-1)del has been designated for the purposes of this classification. This Copy Number Variant (CNV) is expected to alter the reading frame and predicted to result in a truncation or absence of the encoded protein due to nonsense mediated decay (NMD). The variant was absent in 21694 control chromosomes. To our knowledge, no occurrence of c.(144+1_145-1)_(479+1_480-1)del in individuals affected with Developmental and epileptic encephalopathy, 29 and no experimental evidence demonstrating its impact on protein function have been reported. The clinical significance of the variant for Charcot-Marie-Tooth disease axonal type 2N could not be established. To our knowledge, this variant has not been reported in individuals with Charcot-Marie-Tooth disease axonal type 2N. ClinVar contains an entry for this variant (Variation ID: 2424206). Based on the evidence outlined above, the variant was classified as pathogenic for Developmental and epileptic encephalopathy, 29.